The following is an entry in ClinVar:

ClinVar aggregate classification (germline): Conflicting classifications of pathogenicity. Review status: criteria provided, conflicting classifications (1 of 4 stars). 3 submissions from 3 submitters: Uncertain significance (2); Likely benign (1). Last evaluated 2026-01-05.
ClinVar aggregate classification (somatic clinical impact): Tier II - Potential (1 of 4 stars; one submission).

Conditions:
Intellectual disability-hypotonic facies syndrome, X-linked, 1 (MRXHF1). Also called: X-linked intellectual disability-hypotonic face syndrome; HOLMES-GANG SYNDROME; Smith Fineman Myers syndrome 1; XLMR-HYPOTONIC FACIES SYNDROME; CHUDLEY-LOWRY SYNDROME; Chudley syndrome 1. Identifiers: Orphanet 73220, Orphanet 93970, Orphanet 93971, Orphanet 93972, Orphanet 93973, Orphanet 93974, Orphanet 93975, MedGen C4759781, MONDO:0010663, OMIM 309580.
Acquired hemoglobin H disease (ATMDS). Also called: Alpha-thalassemia myelodysplasia syndrome, somatic; Alpha-thalassemia-myelodysplastic syndrome; Alpha-thalassemia myelodysplasia syndrome. Identifiers: Orphanet 231401, MedGen C0585216, MONDO:0010328, OMIM 300448.
Alpha thalassemia-X-linked intellectual disability syndrome (ATRX). Also called: ALPHA-THALASSEMIA/MENTAL RETARDATION SYNDROME, X-LINKED; ATR, NONDELETION TYPE; ALPHA-THALASSEMIA/IMPAIRED INTELLECTUAL DEVELOPMENT SYNDROME, X-LINKED; X-linked alpha-thalassemia-mental retardation syndrome; ATR-X syndrome; Alpha thalassemia mental retardation syndrome, nondeletion type, X-linked. Identifiers: Orphanet 847, MedGen C1845055, MONDO:0010519, OMIM 301040.
Inborn genetic diseases. Identifiers: MedGen C0950123, MeSH D030342.
IDH-wildtype glioblastoma. Identifiers: MedGen CN372125, MONDO:0850335.

Allele frequency attached by ClinVar (database versions not stated): ExAC 0.00002; gnomAD exomes 0.00002; TOPMed 0.00002; gnomAD 0.00002.
gnomAD v4.1: 16 of 1,208,074 alleles (0.0013%); highest among the groups gnomAD compares: African/African-American, 0.0053%; no homozygotes.

Submissions (4):

Labcorp Genetics (formerly Invitae), Labcorp
Classification: Likely benign for Alpha thalassemia-X-linked intellectual disability syndrome. Last evaluated: 2026-01-05. Review status: criteria provided, single submitter. Criteria: Invitae Variant Classification Sherloc (09022015). Collection method: clinical testing. Allele origin: germline.

Institute for Genomic Medicine (IGM) Clinical Laboratory, Nationwide Children's Hospital
Classification: Tier II - Potential for IDH-wildtype glioblastoma. Assertion type: diagnostic. Clinical significance: supports diagnosis. Last evaluated: 2024-07-08. Review status: criteria provided, single submitter. Criteria: AMP/ASCO/CAP Guidelines, 2017. Collection method: clinical testing. Allele origin: somatic. Affected: yes.
Comment: Variant has Tier II (potential) clinical significance as a diagnostic inclusion criterion in IDH-wildtype glioblastoma, based on the following evidence: 1) Appears in one or more well-established professional guidelines (e.g., World Health Organization [WHO]; National Comprehensive Cancer Network [NCCN]) as providing diagnostic, prognostic, or therapeutic information. 2) Diagnostic significance based on multiple small studies (Evidence Level C; PMIDs: 26919320, 24120142, 29802247, 22869205, 24705251).

Fulgent Genetics
Classification: Uncertain significance for Acquired hemoglobin H disease; Alpha thalassemia-X-linked intellectual disability syndrome; Intellectual disability-hypotonic facies syndrome, X-linked, 1. Last evaluated: 2018-10-31. Review status: criteria provided, single submitter. Criteria: ACMG Guidelines, 2015. Collection method: clinical testing. Allele origin: unknown.

Ambry Genetics
Classification: Uncertain significance for Inborn genetic diseases. Last evaluated: 2015-02-13. Review status: criteria provided, single submitter. Criteria: Ambry exome assertion method (8-5-2015). Collection method: clinical testing. Allele origin: germline. Affected: yes. Observed: 1 variant allele.

Literature cited by the submitters: PubMed 26919320 (cited by Institute for Genomic Medicine (IGM) Clinical Laboratory, Nationwide Children's Hospital); PubMed 24120142 (cited by Institute for Genomic Medicine (IGM) Clinical Laboratory, Nationwide Children's Hospital); PubMed 29802247 (cited by Institute for Genomic Medicine (IGM) Clinical Laboratory, Nationwide Children's Hospital); PubMed 22869205 (cited by Institute for Genomic Medicine (IGM) Clinical Laboratory, Nationwide Children's Hospital); PubMed 24705251 (cited by Institute for Genomic Medicine (IGM) Clinical Laboratory, Nationwide Children's Hospital).

NM_000489.6(ATRX):c.6887A>G (p.Asn2296Ser)

Gene: ATRX (ATRX chromatin remodeler; minus strand). Cytogenetic location: Xq21.1.
Variant type: single nucleotide variant.
Coding change: c.6887A>G on transcript NM_000489.6 (MANE Select); coding-DNA position 6887, A replaced by G.
Protein change: p.Asn2296Ser; replaces asparagine 2296 with serine.
Molecular consequence: missense variant.
Genome position (GRCh38, 1-based): chrX:77,522,351, T>C on the plus strand (A>G on the coding strand, the complement: ATRX is on the minus strand). VCF-style: chrX-77522351-T-C. GRCh37 (hg19) VCF-style: chrX-76777829-T-C.
Other names: c.6773A>G, p.Asn2258Ser (NM_138270.5); short protein forms N2296S, N2258S.
Identifiers: ClinVar variation 520624 (VCV000520624.15), dbSNP rs782274478, ClinGen allele CA10457446.